The following is an entry in ClinVar:

ClinVar aggregate classification (germline): Uncertain significance (1 of 4 stars; one submission).

Allele frequency attached by ClinVar (database versions not stated): gnomAD exomes below 0.00001; gnomAD 0.00001; TOPMed 0.00001.
gnomAD v4.1: 3 of 1,569,860 alleles (0.00019%); highest among the groups gnomAD compares: Middle Eastern, 0.033%; no homozygotes.

Submission:

Labcorp Genetics (formerly Invitae), Labcorp
Classification: Uncertain significance. Last evaluated: 2023-08-31. Review status: criteria provided, single submitter. Criteria: Invitae Variant Classification Sherloc (09022015). Collection method: clinical testing. Allele origin: germline.
Comment: This variant has not been reported in the literature in individuals affected with TCF3-related conditions. This variant is not present in population databases (gnomAD no frequency). This sequence change replaces phenylalanine, which is neutral and non-polar, with leucine, which is neutral and non-polar, at codon 22 of the TCF3 protein (p.Phe22Leu). ClinVar contains an entry for this variant (Variation ID: 1448355). In summary, the available evidence is currently insufficient to determine the role of this variant in disease. Therefore, it has been classified as a Variant of Uncertain Significance. Advanced modeling of protein sequence and biophysical properties (such as structural, functional, and spatial information, amino acid conservation, physicochemical variation, residue mobility, and thermodynamic stability) performed at Invitae indicates that this missense variant is expected to disrupt TCF3 protein function.

NM_003200.5(TCF3):c.66C>A (p.Phe22Leu)

Gene: TCF3 (transcription factor 3; minus strand). Cytogenetic location: 19p13.3.
Variant type: single nucleotide variant.
Coding change: c.66C>A on transcript NM_003200.5 (MANE Select); coding-DNA position 66, C replaced by A.
Protein change: p.Phe22Leu; replaces phenylalanine 22 with leucine.
Molecular consequence: missense variant.
Genome position (GRCh38, 1-based): chr19:1,650,183, G>T on the plus strand (C>A on the coding strand, the complement: TCF3 is on the minus strand). VCF-style: chr19-1650183-G-T. GRCh37 (hg19) VCF-style: chr19-1650182-G-T.
Other names: c.66C>A, p.Phe22Leu (NM_001136139.4, NM_001351778.2, NM_001351779.2); short protein forms F22L.
Identifiers: ClinVar variation 1448355 (VCV001448355.6), dbSNP rs1264140151, ClinGen allele CA403080395.